The following is an entry in ClinVar:

ClinVar aggregate classification (germline): Uncertain significance (1 of 4 stars; one submission).

Submission:

Labcorp Genetics (formerly Invitae), Labcorp
Classification: Uncertain significance. Last evaluated: 2024-05-08. Review status: criteria provided, single submitter. Criteria: Invitae Variant Classification Sherloc (09022015). Collection method: clinical testing. Allele origin: germline.
Comment: This sequence change replaces alanine, which is neutral and non-polar, with glutamic acid, which is acidic and polar, at codon 48 of the NTHL1 protein (p.Ala48Glu). This variant is not present in population databases (gnomAD no frequency). This variant has not been reported in the literature in individuals affected with NTHL1-related conditions. Algorithms developed to predict the effect of missense changes on protein structure and function output the following: SIFT: "Not Available"; PolyPhen-2: "Benign"; Align-GVGD: "Not Available". The glutamic acid amino acid residue is found in multiple mammalian species, which suggests that this missense change does not adversely affect protein function. RNA analysis performed to evaluate the impact of this missense change on mRNA splicing indicates it does not significantly alter splicing (Invitae). In summary, the available evidence is currently insufficient to determine the role of this variant in disease. Therefore, it has been classified as a Variant of Uncertain Significance.

NM_002528.7(NTHL1):c.119C>A (p.Ala40Glu)

Gene: NTHL1 (nth like DNA glycosylase 1; minus strand). Cytogenetic location: 16p13.3.
Variant type: single nucleotide variant.
Coding change: c.119C>A on transcript NM_002528.7 (MANE Select); coding-DNA position 119, C replaced by A.
Protein change: p.Ala40Glu; replaces alanine 40 with glutamic acid.
Molecular consequence: missense variant. On other transcripts: 5 prime UTR variant (1).
Genome position (GRCh38, 1-based): chr16:2,046,363, G>T on the plus strand (C>A on the coding strand, the complement: NTHL1 is on the minus strand). VCF-style: chr16-2046363-G-T. GRCh37 (hg19) VCF-style: chr16-2096364-G-T.
Other names: c.119C>A, p.Ala40Glu (NM_001318193.2); c.-60C>A (NM_001318194.2); short protein forms A40E.
Identifiers: ClinVar variation 3652604 (VCV003652604.2).